The following is an entry in ClinVar:

ClinVar aggregate classification (germline): Pathogenic (1 of 4 stars; one submission).

Conditions:
Immunodeficiency 23 (IMD23). Also called: IMMUNODEFICIENCY WITH HYPER IgE AND COGNITIVE IMPAIRMENT; IMMUNODEFICIENCY-VASCULITIS-MYOCLONUS SYNDROME. Identifiers: Orphanet 443811, MedGen C4014371, MONDO:0014353, OMIM 615816.

Submission:

Labcorp Genetics (formerly Invitae), Labcorp
Classification: Pathogenic for Immunodeficiency 23. Last evaluated: 2023-05-12. Review status: criteria provided, single submitter. Criteria: Invitae Variant Classification Sherloc (09022015). Collection method: clinical testing. Allele origin: germline.
Comment: This sequence change creates a premature translational stop signal (p.Cys300*) in the PGM3 gene. It is expected to result in an absent or disrupted protein product. Loss-of-function variants in PGM3 are known to be pathogenic (PMID: 17548465, 24589341, 24931394). For these reasons, this variant has been classified as Pathogenic. This variant has not been reported in the literature in individuals affected with PGM3-related conditions. This variant is not present in population databases (gnomAD no frequency).

Literature cited by the submitters: PubMed 17548465; PubMed 24589341; PubMed 24931394.

NM_015599.3(PGM3):c.816C>A (p.Cys272Ter)

Gene: PGM3 (phosphoglucomutase 3; minus strand). Cytogenetic location: 6q14.1.
Variant type: single nucleotide variant.
Coding change: c.816C>A on transcript NM_015599.3 (MANE Select); coding-DNA position 816, C replaced by A.
Protein change: p.Cys272Ter; replaces cysteine 272 with a stop codon.
Molecular consequence: nonsense. On other transcripts: non-coding transcript variant (1).
Genome position (GRCh38, 1-based): chr6:83,179,939, G>T on the plus strand (C>A on the coding strand, the complement: PGM3 is on the minus strand). VCF-style: chr6-83179939-G-T. GRCh37 (hg19) VCF-style: chr6-83889658-G-T.
Other names: c.900C>A, p.Cys300Ter (NM_001199917.2, NM_001367287.1); c.573C>A, p.Cys191Ter (NM_001199918.2); c.816C>A, p.Cys272Ter (NM_001199919.2, NM_001367286.1); short protein forms C300*, C272*, C191*.
Identifiers: ClinVar variation 2863785 (VCV002863785.3), dbSNP rs2538123289, ClinGen allele CA364881713.
Genomic context (GRCh38, chr6:83,179,939, plus strand): 5'-GTGGCCATCTGCATCATGGTAGTAATAAACAATTCTGTCTGCATCTCCATCAAAAGAACA[G>T]CATCTTTCATTGGACTTAATTTCCATTCCTAGCACACAGGATAATTTAACATGCATTTCA-3'